The following is an entry in ClinVar:

NM_001903.5(CTNNA1):c.1696G>A (p.Gly566Arg)

Gene: CTNNA1 (catenin alpha 1; plus strand). Cytogenetic location: 5q31.2.
Variant type: single nucleotide variant.
Coding change: c.1696G>A on transcript NM_001903.5 (MANE Select); coding-DNA position 1696, G replaced by A.
Protein change: p.Gly566Arg; replaces glycine 566 with arginine.
Molecular consequence: missense variant.
Genome position (GRCh38, 1-based): chr5:138,924,659, G>A. VCF-style: chr5-138924659-G-A. GRCh37 (hg19) VCF-style: chr5-138260348-G-A.
Other names: c.1696G>A, p.Gly566Arg (NM_001290307.3, NM_001323982.2, NM_001323983.1 and 2 more transcripts); c.1387G>A, p.Gly463Arg (NM_001290309.3); c.1327G>A, p.Gly443Arg (NM_001290310.3); c.586G>A, p.Gly196Arg (NM_001290312.1, NM_001323987.1, NM_001323988.1 and 17 more transcripts); c.1603G>A, p.Gly535Arg (NM_001323986.2); c.247G>A, p.Gly83Arg (NM_001324006.1, NM_001324007.1, NM_001324008.1 and 2 more transcripts); c.493G>A, p.Gly165Arg (NM_001324011.1); c.343G>A, p.Gly115Arg (NM_001324012.1, NM_001324013.1); short protein forms G463R, G535R, G443R, G566R, G83R, G196R, G115R, G165R.
Identifiers: ClinVar variation 2622451 (VCV002622451.3), dbSNP rs2150289560, ClinGen allele CA361131995.

ClinVar aggregate classification (germline): Uncertain significance. Review status: criteria provided, multiple submitters, no conflicts (2 of 4 stars). 2 submissions from 2 submitters: Uncertain significance (2). Last evaluated 2025-09-25.

Conditions:
Hereditary cancer-predisposing syndrome. Also called: Tumor predisposition; Hereditary Cancer Syndrome; Hereditary neoplastic syndrome; Neoplastic Syndromes, Hereditary. Identifiers: Orphanet 140162, MedGen C0027672, MeSH D009386, MONDO:0015356.

Submissions (2):

Labcorp Genetics (formerly Invitae), Labcorp
Classification: Uncertain significance. Last evaluated: 2025-09-25. Review status: criteria provided, single submitter. Criteria: Invitae Variant Classification Sherloc (09022015). Collection method: clinical testing. Allele origin: germline.
Comment: This sequence change replaces glycine, which is neutral and non-polar, with arginine, which is basic and polar, at codon 566 of the CTNNA1 protein (p.Gly566Arg). This variant is not present in population databases (gnomAD no frequency). This variant has not been reported in the literature in individuals affected with CTNNA1-related conditions. ClinVar contains an entry for this variant (Variation ID: 2622451). Invitae Evidence Modeling of protein sequence and biophysical properties (such as structural, functional, and spatial information, amino acid conservation, physicochemical variation, residue mobility, and thermodynamic stability) has been performed for this missense variant. However, the output from this modeling did not meet the statistical confidence thresholds required to predict the impact of this variant on CTNNA1 protein function. In summary, the available evidence is currently insufficient to determine the role of this variant in disease. Therefore, it has been classified as a Variant of Uncertain Significance.

Ambry Genetics
Classification: Uncertain significance for Hereditary cancer-predisposing syndrome. Last evaluated: 2023-06-21. Review status: criteria provided, single submitter. Criteria: Ambry Variant Classification Scheme 2023. Collection method: clinical testing. Allele origin: germline.
Comment: The p.G566R variant (also known as c.1696G>A), located in coding exon 11 of the CTNNA1 gene, results from a G to A substitution at nucleotide position 1696. The glycine at codon 566 is replaced by arginine, an amino acid with dissimilar properties. This amino acid position is conserved. In addition, this alteration is predicted to be deleterious by in silico analysis. Since supporting evidence is limited at this time, the clinical significance of this alteration remains unclear.